The following is an entry in ClinVar:

NM_198334.3(GANAB):c.1055A>G (p.Asp352Gly)

Gene: GANAB (glucosidase II alpha subunit; minus strand). Cytogenetic location: 11q12.3.
Variant type: single nucleotide variant.
Coding change: c.1055A>G on transcript NM_198334.3 (MANE Select); coding-DNA position 1055, A replaced by G.
Protein change: p.Asp352Gly; replaces aspartic acid 352 with glycine.
Molecular consequence: missense variant.
Genome position (GRCh38, 1-based): chr11:62,631,125, T>C on the plus strand (A>G on the coding strand, the complement: GANAB is on the minus strand). VCF-style: chr11-62631125-T-C. GRCh37 (hg19) VCF-style: chr11-62398597-T-C.
Other names: c.779A>G, p.Asp260Gly (NM_001278192.2); c.713A>G, p.Asp238Gly (NM_001278193.2); c.764A>G, p.Asp255Gly (NM_001278194.2, NM_001329222.2, NM_001329223.2); c.332A>G, p.Asp111Gly (NM_001329224.2, NM_001329225.2); c.1121A>G, p.Asp374Gly (NM_198335.4); short protein forms D111G, D238G, D255G, D260G, D352G, D374G.
Identifiers: ClinVar variation 5018551 (VCV005018551.1).

ClinVar aggregate classification (germline): Uncertain significance (1 of 4 stars; one submission).

Conditions:
Polycystic kidney disease 3 with or without polycystic liver disease. Also called: POLYCYSTIC KIDNEY DISEASE, ADULT, TYPE III; Polycystic kidney disease 3; Polycystic Kidney and/or Polycystic Liver Disease 3. Identifiers: MedGen C3887964, MONDO:0010916, OMIM 600666.

Submission:

Juno Genomics, Hangzhou Juno Genomics, Inc
Classification: Uncertain significance for Polycystic kidney disease 3 with or without polycystic liver disease. Review status: criteria provided, single submitter. Criteria: ACMG Guidelines, 2015. Collection method: clinical testing. Allele origin: germline. Affected: yes.
Comment: Absent from controls (or at extremely low frequency if recessive) in Genome Aggregation Database.;Multiple lines of computational evidence support a deleterious effect on the gene or gene product.;Missense variant in a gene that has a low rate of benign missense variation.